The following is an entry in ClinVar:

ClinVar aggregate classification (germline): Uncertain significance (1 of 4 stars; one submission).

Allele frequency attached by ClinVar (database versions not stated): gnomAD exomes below 0.00001; TOPMed below 0.00001; gnomAD 0.00001.
gnomAD v4.1: 2 of 1,589,310 alleles (0.00013%); highest among the groups gnomAD compares: Non-Finnish European, 0.00017%; no homozygotes.

Submission:

Labcorp Genetics (formerly Invitae), Labcorp
Classification: Uncertain significance. Last evaluated: 2023-07-19. Review status: criteria provided, single submitter. Criteria: Invitae Variant Classification Sherloc (09022015). Collection method: clinical testing. Allele origin: germline.
Comment: This sequence change replaces serine, which is neutral and polar, with isoleucine, which is neutral and non-polar, at codon 10 of the COL9A2 protein (p.Ser10Ile). This variant is not present in population databases (gnomAD no frequency). This variant has not been reported in the literature in individuals affected with COL9A2-related conditions. Advanced modeling of protein sequence and biophysical properties (such as structural, functional, and spatial information, amino acid conservation, physicochemical variation, residue mobility, and thermodynamic stability) performed at Invitae indicates that this missense variant is not expected to disrupt COL9A2 protein function. In summary, the available evidence is currently insufficient to determine the role of this variant in disease. Therefore, it has been classified as a Variant of Uncertain Significance.

NM_001852.4(COL9A2):c.29G>T (p.Ser10Ile)

Gene: COL9A2 (collagen type IX alpha 2 chain; minus strand). Cytogenetic location: 1p34.2.
Variant type: single nucleotide variant.
Coding change: c.29G>T on transcript NM_001852.4 (MANE Select); coding-DNA position 29, G replaced by T.
Protein change: p.Ser10Ile; replaces serine 10 with isoleucine.
Molecular consequence: missense variant.
Genome position (GRCh38, 1-based): chr1:40,317,169, C>A on the plus strand (G>T on the coding strand, the complement: COL9A2 is on the minus strand). VCF-style: chr1-40317169-C-A. GRCh37 (hg19) VCF-style: chr1-40782841-C-A.
Other names: short protein forms S10I.
Identifiers: ClinVar variation 2745208 (VCV002745208.3), dbSNP rs1172699869, ClinGen allele CA339860980.